The following is an entry in ClinVar:

NM_012128.4(CLCA4):c.1391C>T (p.Ala464Val)

Genes: CLCA4 (chloride channel accessory 4; plus strand), CLCA4-AS1 (CLCA4 antisense RNA 1; minus strand). Cytogenetic location: 1p22.3.
Variant type: single nucleotide variant.
Coding change: c.1391C>T on transcript NM_012128.4 (MANE Select); coding-DNA position 1391, C replaced by T.
Protein change: p.Ala464Val; replaces alanine 464 with valine.
Molecular consequence: missense variant. On other transcripts: non-coding transcript variant (1).
Genome position (GRCh38, 1-based): chr1:86,572,644, C>T. VCF-style: chr1-86572644-C-T. GRCh37 (hg19) VCF-style: chr1-87038327-C-T.
Other names: short protein forms A464V.
Identifiers: ClinVar variation 3904846 (VCV003904846.10).

ClinVar aggregate classification (germline): Likely benign (1 of 4 stars; one submission).

gnomAD v4.1: 2,086 of 1,607,354 alleles (0.13%); highest among the groups gnomAD compares: Non-Finnish European, 0.15%; 12 homozygotes.

Submission:

CeGaT Center for Human Genetics Tuebingen
Classification: Likely benign. Last evaluated: 2025-05-01. Review status: criteria provided, single submitter. Criteria: CeGaT Center For Human Genetics Tuebingen Variant Classification Criteria Version 2. Collection method: clinical testing. Allele origin: germline. Affected: yes. Observed: 1 variant allele.
Comment: CLCA4: BP4, BS2